The following is an entry in ClinVar:

ClinVar aggregate classification (germline): Uncertain significance (1 of 4 stars; one submission).

gnomAD v4.1: 2 of 1,613,580 alleles (0.00012%); highest among the groups gnomAD compares: Non-Finnish European, 0.00017%; no homozygotes.

Submission:

Labcorp Genetics (formerly Invitae), Labcorp
Classification: Uncertain significance. Last evaluated: 2025-11-25. Review status: criteria provided, single submitter. Criteria: Invitae Variant Classification Sherloc (09022015). Collection method: clinical testing. Allele origin: germline.
Comment: This sequence change replaces valine, which is neutral and non-polar, with phenylalanine, which is neutral and non-polar, at codon 100 of the IL12RB2 protein (p.Val100Phe). This variant is not present in population databases (gnomAD no frequency). This variant has not been reported in the literature in individuals affected with IL12RB2-related conditions. An algorithm developed to predict the effect of missense changes on protein structure and function outputs the following: PolyPhen-2: "Benign". The phenylalanine amino acid residue is found in multiple mammalian species, which suggests that this missense change does not adversely affect protein function. In summary, the available evidence is currently insufficient to determine the role of this variant in disease. Therefore, it has been classified as a Variant of Uncertain Significance.

NM_001374259.2(IL12RB2):c.298G>T (p.Val100Phe)

Gene: IL12RB2 (interleukin 12 receptor subunit beta 2; plus strand). Cytogenetic location: 1p31.3.
Variant type: single nucleotide variant.
Coding change: c.298G>T on transcript NM_001374259.2 (MANE Select); coding-DNA position 298, G replaced by T.
Protein change: p.Val100Phe; replaces valine 100 with phenylalanine.
Molecular consequence: missense variant. On other transcripts: non-coding transcript variant (2).
Genome position (GRCh38, 1-based): chr1:67,321,823, G>T. VCF-style: chr1-67321823-G-T. GRCh37 (hg19) VCF-style: chr1-67787506-G-T.
Other names: c.298G>T, p.Val100Phe (NM_001258214.1, NM_001258215.1, NM_001258216.1 and 2 more transcripts); short protein forms V100F.
Identifiers: ClinVar variation 4807540 (VCV004807540.1).